The following is an entry in ClinVar:

NM_000069.3(CACNA1S):c.1267T>C (p.Trp423Arg)

Gene: CACNA1S (calcium voltage-gated channel subunit alpha1 S; minus strand). Cytogenetic location: 1q32.1.
Variant type: single nucleotide variant.
Coding change: c.1267T>C on transcript NM_000069.3 (MANE Select); coding-DNA position 1267, T replaced by C.
Protein change: p.Trp423Arg; replaces tryptophan 423 with arginine.
Molecular consequence: missense variant.
Genome position (GRCh38, 1-based): chr1:201,083,288, A>G on the plus strand (T>C on the coding strand, the complement: CACNA1S is on the minus strand). VCF-style: chr1-201083288-A-G. GRCh37 (hg19) VCF-style: chr1-201052416-A-G.
Other names: short protein forms W423R.
Identifiers: ClinVar variation 3073301 (VCV003073301.1), dbSNP rs1661907740, ClinGen allele CA344126061.

ClinVar aggregate classification (germline): Uncertain significance (1 of 4 stars; one submission).

Conditions:
Malignant hyperthermia, susceptibility to, 5 (MHS5). Also called: CACNA1S-Related Malignant Hyperthermia Susceptibility. Identifiers: Orphanet 423, MedGen C1866077, MONDO:0011163, OMIM 601887.

Allele frequency attached by ClinVar (database versions not stated): TOPMed below 0.00001.

Submission:

All of Us Research Program, National Institutes of Health
Classification: Uncertain significance for Malignant hyperthermia, susceptibility to, 5. Last evaluated: 2023-09-04. Review status: criteria provided, single submitter. Criteria: ACMG Guidelines, 2015. Collection method: clinical testing. Allele origin: germline. Inheritance: Autosomal dominant inheritance. Observed: 1 variant allele, 1 heterozygote.
Comment: This missense variant replaces tryptophan with arginine at codon 423 of the CACNA1S protein. Computational prediction suggests that this variant may not impact protein structure and function (internally defined REVEL score threshold <= 0.5, PMID: 27666373). To our knowledge, functional studies have not been reported for this variant. This variant has not been reported in individuals affected with CACNA1S-related disorders in the literature. This variant has not been identified in the general population by the Genome Aggregation Database (gnomAD). The available evidence is insufficient to determine the role of this variant in disease conclusively. Therefore, this variant is classified as a Variant of Uncertain Significance.

This study involves interpretation of variants in research participants for the purpose of population health screening. Participant phenotype was not available at the time of variant classification. Additional details can be found in publication PMID: 35346344, PMCID: PMC8962531